The following is an entry in ClinVar:

NM_001267550.2(TTN):c.6578C>A (p.Thr2193Asn)

Gene: TTN (titin; minus strand). Cytogenetic location: 2q31.2.
Variant type: single nucleotide variant.
Coding change: c.6578C>A on transcript NM_001267550.2 (MANE Select); coding-DNA position 6578, C replaced by A.
Protein change: p.Thr2193Asn; replaces threonine 2193 with asparagine.
Molecular consequence: missense variant.
Genome position (GRCh38, 1-based): chr2:178,775,133, G>T on the plus strand (C>A on the coding strand, the complement: TTN is on the minus strand). VCF-style: chr2-178775133-G-T. GRCh37 (hg19) VCF-style: chr2-179639860-G-T.
Other names: c.6440C>A, p.Thr2147Asn (NM_003319.4, NM_133432.3, NM_133437.4); c.6578C>A, p.Thr2193Asn (NM_133378.4, NM_133379.5, NM_001256850.1); short protein forms T2147N, T2193N.
Identifiers: ClinVar variation 669072 (VCV000669072.1), dbSNP rs1574640739, ClinGen allele CA349682509.

ClinVar aggregate classification (germline): Likely benign (1 of 4 stars; one submission).

gnomAD v4.1: 3 of 1,613,948 alleles (0.00019%); highest among the groups gnomAD compares: Non-Finnish European, 0.00025%; no homozygotes.

Submission:

GeneDx
Classification: Likely benign. Last evaluated: 2018-05-30. Review status: criteria provided, single submitter. Criteria: GeneDx Variant Classification (06012015). Collection method: clinical testing. Allele origin: germline. Affected: yes.
Comment: This variant is considered likely benign or benign based on one or more of the following criteria: it is a conservative change, it occurs at a poorly conserved position in the protein, it is predicted to be benign by multiple in silico algorithms, and/or has population frequency not consistent with disease.